The following is an entry in ClinVar:

NM_024408.4(NOTCH2):c.1243G>T (p.Asp415Tyr)

Gene: NOTCH2 (notch receptor 2; minus strand). Cytogenetic location: 1p12.
Variant type: single nucleotide variant.
Coding change: c.1243G>T on transcript NM_024408.4 (MANE Select); coding-DNA position 1243, G replaced by T.
Protein change: p.Asp415Tyr; replaces aspartic acid 415 with tyrosine.
Molecular consequence: missense variant.
Genome position (GRCh38, 1-based): chr1:119,968,098, C>A on the plus strand (G>T on the coding strand, the complement: NOTCH2 is on the minus strand). VCF-style: chr1-119968098-C-A. GRCh37 (hg19) VCF-style: chr1-120510721-C-A.
Other names: c.1243G>T, p.Asp415Tyr (NM_001200001.2); short protein forms D415Y.
Identifiers: ClinVar variation 4799935 (VCV004799935.1).

ClinVar aggregate classification (germline): Uncertain significance (1 of 4 stars; one submission).

Conditions:
Hajdu-Cheney syndrome (HJCYS). Also called: ACROOSTEOLYSIS WITH OSTEOPOROSIS AND CHANGES IN SKULL AND MANDIBLE; SERPENTINE FIBULA-POLYCYSTIC KIDNEY SYNDROME; Acroosteolysis dominant type. Identifiers: Orphanet 955, MedGen C0917715, MONDO:0007057, OMIM 102500.

Submission:

Labcorp Genetics (formerly Invitae), Labcorp
Classification: Uncertain significance for Hajdu-Cheney syndrome. Last evaluated: 2025-04-23. Review status: criteria provided, single submitter. Criteria: Invitae Variant Classification Sherloc (09022015). Collection method: clinical testing. Allele origin: germline.
Comment: This sequence change replaces aspartic acid, which is acidic and polar, with tyrosine, which is neutral and polar, at codon 415 of the NOTCH2 protein (p.Asp415Tyr). This variant is not present in population databases (gnomAD no frequency). This variant has not been reported in the literature in individuals affected with NOTCH2-related conditions. Invitae Evidence Modeling of protein sequence and biophysical properties (such as structural, functional, and spatial information, amino acid conservation, physicochemical variation, residue mobility, and thermodynamic stability) indicates that this missense variant is expected to disrupt NOTCH2 protein function with a positive predictive value of 95%. In summary, the available evidence is currently insufficient to determine the role of this variant in disease. Therefore, it has been classified as a Variant of Uncertain Significance.